The following is an entry in ClinVar:

NM_001010867.4(IBA57):c.79C>A (p.Pro27Thr)

Gene: IBA57 (iron-sulfur cluster assembly factor IBA57; plus strand). Cytogenetic location: 1q42.13.
Variant type: single nucleotide variant.
Coding change: c.79C>A on transcript NM_001010867.4 (MANE Select); coding-DNA position 79, C replaced by A.
Protein change: p.Pro27Thr; replaces proline 27 with threonine.
Molecular consequence: missense variant.
Genome position (GRCh38, 1-based): chr1:228,165,895, C>A. VCF-style: chr1-228165895-C-A. GRCh37 (hg19) VCF-style: chr1-228353596-C-A.
Other names: short protein forms P27T.
Identifiers: ClinVar variation 2017506 (VCV002017506.4), dbSNP rs1324631781, ClinGen allele CA345104554.

ClinVar aggregate classification (germline): Uncertain significance (1 of 4 stars; one submission).

Conditions:
Multiple mitochondrial dysfunctions syndrome 3 (MMDS3). Identifiers: Orphanet 363424, MedGen C3809165, MONDO:0014132, OMIM 615330.
Hereditary spastic paraplegia 74. Also called: Spastic paraplegia 74, autosomal recessive. Identifiers: Orphanet 468661, MedGen C5568837, MONDO:0014644, OMIM 616451.

gnomAD v4.1: 1 of 1,404,898 alleles (0.000071%); highest among the groups gnomAD compares: Admixed American, 0.003%; no homozygotes.

Submission:

Labcorp Genetics (formerly Invitae), Labcorp
Classification: Uncertain significance for Multiple mitochondrial dysfunctions syndrome 3; Hereditary spastic paraplegia 74. Last evaluated: 2021-12-03. Review status: criteria provided, single submitter. Criteria: Invitae Variant Classification Sherloc (09022015). Collection method: clinical testing. Allele origin: germline.
Comment: In summary, the available evidence is currently insufficient to determine the role of this variant in disease. Therefore, it has been classified as a Variant of Uncertain Significance. This sequence change replaces proline, which is neutral and non-polar, with threonine, which is neutral and polar, at codon 27 of the IBA57 protein (p.Pro27Thr). The frequency data for this variant in the population databases is considered unreliable, as metrics indicate poor data quality at this position in the gnomAD database. This variant has not been reported in the literature in individuals affected with IBA57-related conditions. Algorithms developed to predict the effect of missense changes on protein structure and function (SIFT, PolyPhen-2, Align-GVGD) all suggest that this variant is likely to be tolerated.